The following is an entry in ClinVar:

ClinVar aggregate classification (germline): Uncertain significance. Review status: criteria provided, multiple submitters, no conflicts (2 of 4 stars). 3 submissions from 3 submitters: Uncertain significance (3). Last evaluated 2026-04-27.

Conditions:
Cardiovascular phenotype. Identifiers: MedGen CN230736.
Arrhythmogenic cardiomyopathy with wooly hair and keratoderma. Also called: Dilated cardiomyopathy with woolly hair and keratoderma; PALMOPLANTAR KERATODERMA WITH LEFT VENTRICULAR CARDIOMYOPATHY AND WOOLLY HAIR; Carvajal syndrome; Arrhythmogenic cardiomyopathy with woolly hair and keratoderma. Identifiers: Orphanet 65282, MedGen C1854063, MONDO:0011581, OMIM 605676.
Arrhythmogenic right ventricular dysplasia 8 (ARVD8). Also called: Arrhythmogenic Right Ventricular Dysplasia/Cardiomyopathy 8; ARRHYTHMOGENIC RIGHT VENTRICULAR DYSPLASIA, FAMILIAL, 8; ARRHYTHMOGENIC RIGHT VENTRICULAR CARDIOMYOPATHY 8. Identifiers: MedGen C1843896, MONDO:0011831, OMIM 607450.
Cardiomyopathy (CMYO). Also called: Cardiomyopathies. Identifiers: Orphanet 167848, MedGen C0878544, MONDO:0004994, HP:0001638. Inheritance: Various modes of inheritance.

Submissions (3):

Ambry Genetics
Classification: Uncertain significance for Cardiovascular phenotype. Last evaluated: 2026-04-27. Review status: criteria provided, single submitter. Criteria: Ambry Variant Classification Scheme 2023. Collection method: clinical testing. Allele origin: germline.
Comment: The p.L2650I variant (also known as c.7948C>A), located in coding exon 24 of the DSP gene, results from a C to A substitution at nucleotide position 7948. The leucine at codon 2650 is replaced by isoleucine, an amino acid with highly similar properties. This amino acid position is conserved. In addition, the in silico prediction for this alteration is inconclusive. Based on the available evidence, the clinical significance of this variant remains unclear.

Color Diagnostics, LLC DBA Color Health
Classification: Uncertain significance for Cardiomyopathy. Last evaluated: 2024-05-04. Review status: criteria provided, single submitter. Criteria: ACMG Guidelines, 2015. Collection method: clinical testing. Allele origin: germline.
Comment: This missense variant replaces leucine with isoleucine at codon 2650 of the DSP protein. Computational prediction is inconclusive regarding the impact of this variant on protein structure and function (internally defined REVEL score threshold 0.5 < inconclusive < 0.7, PMID: 27666373). To our knowledge, functional studies have not been reported for this variant. This variant has not been reported in individuals affected with DSP-related disorders in the literature. This variant has not been identified in the general population by the Genome Aggregation Database (gnomAD). The available evidence is insufficient to determine the role of this variant in disease conclusively. Therefore, this variant is classified as a Variant of Uncertain Significance.

Labcorp Genetics (formerly Invitae), Labcorp
Classification: Uncertain significance for Arrhythmogenic cardiomyopathy with wooly hair and keratoderma; Arrhythmogenic right ventricular dysplasia 8. Last evaluated: 2024-04-03. Review status: criteria provided, single submitter. Criteria: Invitae Variant Classification Sherloc (09022015). Collection method: clinical testing. Allele origin: germline.
Comment: This sequence change replaces leucine, which is neutral and non-polar, with isoleucine, which is neutral and non-polar, at codon 2650 of the DSP protein (p.Leu2650Ile). This variant is not present in population databases (gnomAD no frequency). This variant has not been reported in the literature in individuals affected with DSP-related conditions. An algorithm developed to predict the effect of missense changes on protein structure and function (PolyPhen-2) suggests that this variant is likely to be disruptive. In summary, the available evidence is currently insufficient to determine the role of this variant in disease. Therefore, it has been classified as a Variant of Uncertain Significance.

NM_004415.4(DSP):c.7948C>A (p.Leu2650Ile)

Gene: DSP (desmoplakin; plus strand). Cytogenetic location: 6p24.3.
Variant type: single nucleotide variant.
Coding change: c.7948C>A on transcript NM_004415.4 (MANE Select); coding-DNA position 7948, C replaced by A.
Protein change: p.Leu2650Ile; replaces leucine 2650 with isoleucine.
Molecular consequence: missense variant.
Genome position (GRCh38, 1-based): chr6:7,585,210, C>A. VCF-style: chr6-7585210-C-A. GRCh37 (hg19) VCF-style: chr6-7585443-C-A.
Other names: c.6151C>A, p.Leu2051Ile (NM_001008844.3); c.6619C>A, p.Leu2207Ile (NM_001319034.2); short protein forms L2051I, L2207I, L2650I.
Identifiers: ClinVar variation 3752069 (VCV003752069.4).